The following is an entry in ClinVar:

NM_001201407.2(ZNF778):c.*4896C>T

Gene: ZNF778 (zinc finger protein 778; plus strand). Cytogenetic location: 16q24.3.
Variant type: single nucleotide variant.
Coding change: c.*4896C>T on transcript NM_001201407.2 (MANE Select); 4896 bases downstream of the stop codon, C replaced by T.
Molecular consequence: 3 prime UTR variant. On other transcripts: non-coding transcript variant (1).
Genome position (GRCh38, 1-based): chr16:89,233,458, C>T. VCF-style: chr16-89233458-C-T. GRCh37 (hg19) VCF-style: chr16-89299866-C-T.
Other names: c.*4896C>T (NM_001378881.1, NM_182531.5).
Identifiers: ClinVar variation 2647055 (VCV002647055.24), dbSNP rs1213728653, ClinGen allele CA624230384.

ClinVar aggregate classification (germline): Likely benign (1 of 4 stars; one submission).

Submission:

CeGaT Center for Human Genetics Tuebingen
Classification: Likely benign. Last evaluated: 2023-03-01. Review status: criteria provided, single submitter. Criteria: CeGaT Center For Human Genetics Tuebingen Variant Classification Criteria Version 2. Collection method: clinical testing. Allele origin: germline. Affected: yes. Observed: 2 variant alleles.
Comment: ZNF778: BS2